The following is an entry in ClinVar:

NM_181882.3(PRX):c.205C>T (p.Arg69Ter)

Gene: PRX (periaxin; minus strand). Cytogenetic location: 19q13.2.
Variant type: single nucleotide variant.
Coding change: c.205C>T on transcript NM_181882.3 (MANE Select); coding-DNA position 205, C replaced by T.
Protein change: p.Arg69Ter; replaces arginine 69 with a stop codon.
Molecular consequence: nonsense.
Genome position (GRCh38, 1-based): chr19:40,398,796, G>A on the plus strand (C>T on the coding strand, the complement: PRX is on the minus strand). VCF-style: chr19-40398796-G-A. GRCh37 (hg19) VCF-style: chr19-40904703-G-A.
Other names: c.205C>T, p.Arg69Ter (NM_020956.2); short protein forms R69*.
Identifiers: ClinVar variation 1075829 (VCV001075829.7), dbSNP rs2079467367, ClinGen allele CA405901390.

ClinVar aggregate classification (germline): Pathogenic (1 of 4 stars; one submission).

Conditions:
Charcot-Marie-Tooth disease type 4. Also called: Charcot-Marie-Tooth disease, type IV; Charcot-Marie-Tooth, Type 4. Identifiers: Orphanet 64749, MedGen C4082197, MONDO:0018995.

Submission:

Labcorp Genetics (formerly Invitae), Labcorp
Classification: Pathogenic for Charcot-Marie-Tooth disease type 4. Last evaluated: 2025-08-15. Review status: criteria provided, single submitter. Criteria: Invitae Variant Classification Sherloc (09022015). Collection method: clinical testing. Allele origin: germline.
Comment: This sequence change creates a premature translational stop signal (p.Arg69*) in the PRX gene. It is expected to result in an absent or disrupted protein product. Loss-of-function variants in PRX are known to be pathogenic (PMID: 11133365). This variant is not present in population databases (gnomAD no frequency). This variant has not been reported in the literature in individuals affected with PRX-related conditions. ClinVar contains an entry for this variant (Variation ID: 1075829). For these reasons, this variant has been classified as Pathogenic.

Literature cited by the submitters: PubMed 11133365.